The following is an entry in ClinVar:

NM_000142.5(FGFR3):c.200G>A (p.Gly67Asp)

Gene: FGFR3 (fibroblast growth factor receptor 3; plus strand). Cytogenetic location: 4p16.3.
Variant type: single nucleotide variant.
Coding change: c.200G>A on transcript NM_000142.5 (MANE Select); coding-DNA position 200, G replaced by A.
Protein change: p.Gly67Asp; replaces glycine 67 with aspartic acid.
Molecular consequence: missense variant. On other transcripts: non-coding transcript variant (1).
Genome position (GRCh38, 1-based): chr4:1,799,344, G>A. VCF-style: chr4-1799344-G-A. GRCh37 (hg19) VCF-style: chr4-1801071-G-A.
Other names: c.200G>A, p.Gly67Asp (NM_001163213.2, NM_001354809.2, NM_001354810.2 and 1 more transcripts); short protein forms G67D.
Identifiers: ClinVar variation 546226 (VCV000546226.11), dbSNP rs369232922, ClinGen allele CA2809746.

ClinVar aggregate classification (germline): Conflicting classifications of pathogenicity. Review status: criteria provided, conflicting classifications (1 of 4 stars). 4 submissions from 4 submitters: Uncertain significance (1); Likely benign (2). 1 of the submissions does not count toward it. Last evaluated 2025-11-03.

Conditions:
Achondroplasia (ACH). Also called: Achondroplastic dwarfism. Identifiers: Orphanet 15, MedGen C0001080, MONDO:0007037, OMIM 100800. Disease mechanism: gain of function.
Malignant tumor of testis. Also called: Testicular cancer. Identifiers: MedGen C0153594, MONDO:0005447.
Hypochondroplasia (HCH). Identifiers: Orphanet 429, MedGen C0410529, MONDO:0007793, OMIM 146000. Disease mechanism: gain of function.
Carcinoma of colon (CRC). Also called: Colonic carcinoma; Colon carcinoma. Identifiers: MedGen C0699790, MONDO:0002032.
Camptodactyly-tall stature-scoliosis-hearing loss syndrome. Also called: CATSHL SYNDROME. Identifiers: Orphanet 85164, MedGen C1864852, MONDO:0012504, OMIM 610474.
Cervical cancer. Also called: Cervix cancer; Cancer of cervix; Cervical cancer, somatic. Identifiers: MedGen C4048328, MONDO:0002974, OMIM 603956, HP:0030079.
Crouzon syndrome-acanthosis nigricans syndrome. Also called: CROUZONODERMOSKELETAL SYNDROME. Identifiers: Orphanet 93262, MedGen C2677099, MONDO:0012833, OMIM 612247.
Thanatophoric dysplasia type 1 (TD1). Also called: LETHAL SHORT-LIMBED PLATYSPONDYLIC DWARFISM, SAN DIEGO TYPE; Thanatophoric Dysplasia Type 1 (TD Type 1); PLATYSPONDYLIC LETHAL SKELETAL DYSPLASIA, SAN DIEGO TYPE. Identifiers: Orphanet 1860, Orphanet 2655, MedGen C1868678, MONDO:0008546, OMIM 187600. Disease mechanism: gain of function.
Thanatophoric dysplasia, type 2 (TD2). Also called: THANATOPHORIC DYSPLASIA WITH KLEEBLATTSCHAEDEL; THANATOPHORIC DYSPLASIA WITH STRAIGHT FEMURS AND CLOVERLEAF SKULL; Thanatophoric Dysplasia Type 2 (TD Type 2); CLOVERLEAF SKULL WITH THANATOPHORIC DWARFISM. Identifiers: Orphanet 2655, Orphanet 93274, MedGen C1300257, MONDO:0008547, OMIM 187601. Disease mechanism: gain of function.
Epidermal nevus. Also called: NEVUS, KERATINOCYTIC, NONEPIDERMOLYTIC; Nevus, epidermal, somatic. Identifiers: Orphanet 79414, MedGen C0334082, MONDO:0008093, OMIM 162900, HP:0010816.
Severe achondroplasia-developmental delay-acanthosis nigricans syndrome. Also called: Severe achondroplasia with developmental delay and acanthosis nigricans; SADDAN dysplasia. Identifiers: Orphanet 85165, MedGen C2674173, MONDO:0014658, OMIM 616482.
Levy-Hollister syndrome (LADD). Also called: LADD syndrome. Identifiers: Orphanet 2363, MedGen C0265269, MONDO:0007872.
Muenke syndrome (MNKES). Also called: MUENKE NONSYNDROMIC CORONAL CRANIOSYNOSTOSIS. Identifiers: Orphanet 53271, MedGen C1864436, MONDO:0011274, OMIM 602849.
Malignant tumor of urinary bladder. Also called: Bladder cancer; Urinary Bladder Neoplasms; Urinary bladder cancer. Identifiers: MedGen C0005684, MONDO:0001187, OMIM 109800.
FGFR3-related disorder. Also called: FGFR3-related disorders.

Allele frequency attached by ClinVar (database versions not stated): gnomAD 0.00001 and 0.00007; TOPMed 0.00002; gnomAD exomes 0.00026; ExAC 0.00031; 1000 Genomes Project 0.00080; 1000 Genomes Project 30x 0.00094.
gnomAD v4.1: 228 of 1,612,604 alleles (0.014%); highest among the groups gnomAD compares: South Asian, 0.24%; 1 homozygote.

Submissions (4):

Labcorp Genetics (formerly Invitae), Labcorp
Classification: Likely benign. Last evaluated: 2025-11-03. Review status: criteria provided, single submitter. Criteria: Invitae Variant Classification Sherloc (09022015). Collection method: clinical testing. Allele origin: germline.

GeneDx
Classification: Likely benign. Last evaluated: 2019-08-21. Review status: criteria provided, single submitter. Criteria: GeneDx Variant Classification Process June 2021. Collection method: clinical testing. Allele origin: germline. Affected: yes.

Fulgent Genetics
Classification: Uncertain significance for Achondroplasia; Malignant tumor of urinary bladder; Colorectal cancer; Hypochondroplasia; LADD syndrome 1; Epidermal nevus; Thanatophoric dysplasia type 1; Thanatophoric dysplasia, type 2; Germ cell tumor of testis; Muenke syndrome; Cervical cancer; Camptodactyly-tall stature-scoliosis-hearing loss syndrome; Crouzon syndrome-acanthosis nigricans syndrome; Severe achondroplasia-developmental delay-acanthosis nigricans syndrome. Last evaluated: 2018-10-31. Review status: criteria provided, single submitter. Criteria: ACMG Guidelines, 2015. Collection method: clinical testing. Allele origin: unknown.

PreventionGenetics, part of Exact Sciences
Classification: Likely benign for FGFR3-related condition. Last evaluated: 2023-07-06. Review status: no assertion criteria provided. Collection method: clinical testing. Allele origin: germline. Not counted in ClinVar's aggregate classification.
Comment: This variant is classified as likely benign based on ACMG/AMP sequence variant interpretation guidelines (Richards et al. 2015 PMID: 25741868, with internal and published modifications).